The following is an entry in ClinVar:

ClinVar aggregate classification (germline): Uncertain significance. Review status: criteria provided, multiple submitters, no conflicts (2 of 4 stars). 2 submissions from 2 submitters: Uncertain significance (2). Last evaluated 2025-11-10.

Conditions:
Hereditary motor and sensory neuropathy, Okinawa type (HMSNO). Also called: HEREDITARY MOTOR AND SENSORY NEUROPATHY, PROXIMAL TYPE. Identifiers: Orphanet 90117, MedGen C1858338, MONDO:0011468, OMIM 604484.
Hereditary spastic paraplegia 57. Also called: Spastic paraplegia 57, autosomal recessive. Identifiers: Orphanet 431329, MedGen C3714897, MONDO:0014295, OMIM 615658.
Inborn genetic diseases. Identifiers: MedGen C0950123, MeSH D030342.

Allele frequency attached by ClinVar (database versions not stated): gnomAD exomes below 0.00001; gnomAD 0.00001.
gnomAD v4.1: 3 of 1,614,032 alleles (0.00019%); highest among the groups gnomAD compares: African/African-American, 0.0013%; no homozygotes.

Submissions (2):

Labcorp Genetics (formerly Invitae), Labcorp
Classification: Uncertain significance for Hereditary motor and sensory neuropathy, Okinawa type; Hereditary spastic paraplegia 57. Last evaluated: 2025-11-10. Review status: criteria provided, single submitter. Criteria: Invitae Variant Classification Sherloc (09022015). Collection method: clinical testing. Allele origin: germline.
Comment: This sequence change replaces serine, which is neutral and polar, with leucine, which is neutral and non-polar, at codon 365 of the TFG protein (p.Ser365Leu). This variant is present in population databases (no rsID available, gnomAD 0.01%). This variant has not been reported in the literature in individuals affected with TFG-related conditions. ClinVar contains an entry for this variant (Variation ID: 534740). Invitae Evidence Modeling of protein sequence and biophysical properties (such as structural, functional, and spatial information, amino acid conservation, physicochemical variation, residue mobility, and thermodynamic stability) indicates that this missense variant is not expected to disrupt TFG protein function with a negative predictive value of 80%. In summary, the available evidence is currently insufficient to determine the role of this variant in disease. Therefore, it has been classified as a Variant of Uncertain Significance.

Ambry Genetics
Classification: Uncertain significance for Inborn genetic diseases. Last evaluated: 2025-08-10. Review status: criteria provided, single submitter. Criteria: Ambry Variant Classification Scheme 2023. Collection method: clinical testing. Allele origin: germline.

NM_006070.6(TFG):c.1094C>T (p.Ser365Leu)

Gene: TFG (trafficking from ER to golgi regulator; plus strand). Cytogenetic location: 3q12.2.
Variant type: single nucleotide variant.
Coding change: c.1094C>T on transcript NM_006070.6 (MANE Select); coding-DNA position 1094, C replaced by T.
Protein change: p.Ser365Leu; replaces serine 365 with leucine.
Molecular consequence: missense variant.
Genome position (GRCh38, 1-based): chr3:100,748,422, C>T. VCF-style: chr3-100748422-C-T. GRCh37 (hg19) VCF-style: chr3-100467266-C-T.
Other names: c.1094C>T, p.Ser365Leu (NM_001007565.2, NM_001195478.2); c.1082C>T, p.Ser361Leu (NM_001195479.2); short protein forms S365L, S361L.
Identifiers: ClinVar variation 534740 (VCV000534740.9), dbSNP rs1288104441, ClinGen allele CA353854443.